The following is an entry in ClinVar:

ClinVar aggregate classification (germline): Uncertain significance (1 of 4 stars; one submission).

Conditions:
Familial thoracic aortic aneurysm and aortic dissection (TAAD). Also called: Thoracic aortic aneurysms and dissections. Identifiers: Orphanet 91387, MedGen C4707243, MONDO:0019625.
Hereditary cancer-predisposing syndrome. Also called: Neoplastic Syndromes, Hereditary; Hereditary Cancer Syndrome; Tumor predisposition; Hereditary neoplastic syndrome. Identifiers: Orphanet 140162, MedGen C0027672, MeSH D009386, MONDO:0015356.

Submission:

Ambry Genetics
Classification: Uncertain significance for Hereditary cancer-predisposing syndrome; Familial thoracic aortic aneurysm and aortic dissection. Last evaluated: 2024-12-22. Review status: criteria provided, single submitter. Criteria: Ambry Variant Classification Scheme 2023. Collection method: clinical testing. Allele origin: germline.
Comment: The p.A488T variant (also known as c.1462G>A), located in coding exon 11 of the SMAD4 gene, results from a G to A substitution at nucleotide position 1462. The alanine at codon 488 is replaced by threonine, an amino acid with similar properties. This amino acid position is conserved. In addition, this alteration is predicted to be deleterious by in silico analysis. Based on the available evidence, the clinical significance of this variant remains unclear.

NM_005359.6(SMAD4):c.1462G>A (p.Ala488Thr)

Gene: SMAD4 (SMAD family member 4; plus strand). Cytogenetic location: 18q21.2.
Variant type: single nucleotide variant.
Coding change: c.1462G>A on transcript NM_005359.6 (MANE Select); coding-DNA position 1462, G replaced by A.
Protein change: p.Ala488Thr; replaces alanine 488 with threonine.
Molecular consequence: missense variant. On other transcripts: non-coding transcript variant (1).
Genome position (GRCh38, 1-based): chr18:51,078,270, G>A. VCF-style: chr18-51078270-G-A. GRCh37 (hg19) VCF-style: chr18-48604640-G-A.
Other names: c.1462G>A, p.Ala488Thr (NM_001407041.1, NM_001407042.1); short protein forms A488T.
Identifiers: ClinVar variation 3798806 (VCV003798806.1).